The following is an entry in ClinVar:

NM_002890.3(RASA1):c.2315C>T (p.Thr772Ile)

Genes: CCNH (cyclin H; minus strand), RASA1 (RAS p21 protein activator 1; plus strand). Cytogenetic location: 5q14.3.
Variant type: single nucleotide variant.
Coding change: c.2315C>T on transcript NM_002890.3 (MANE Select); coding-DNA position 2315, C replaced by T.
Protein change: p.Thr772Ile; replaces threonine 772 with isoleucine.
Molecular consequence: missense variant. On other transcripts: intron variant (1).
Genome position (GRCh38, 1-based): chr5:87,377,011, C>T. VCF-style: chr5-87377011-C-T. GRCh37 (hg19) VCF-style: chr5-86672828-C-T.
Other names: c.1784C>T, p.Thr595Ile (NM_022650.3); c.933+18033G>A (NM_001364075.2); short protein forms T595I, T772I.
Identifiers: ClinVar variation 4807857 (VCV004807857.1).
Genomic context (GRCh38, chr5:87,377,011, plus strand): 5'-TGGCCAGCATCCTACTGAGGATTTTTCTTCACGAAAAGCTTGAATCGTTGTTGTTATGCA[C>T]ACTAAATGACAGAGAAATAAGCATGGAAGGTATGGTATGGCCATGTTAGTGTGATACAAG-3'
Protein context (NP_002881.1, residues 762-782): HEKLESLLLC[Thr772Ile]LNDREISMED

ClinVar aggregate classification (germline): Uncertain significance (1 of 4 stars; one submission).

Conditions:
Capillary malformation-arteriovenous malformation syndrome. Also called: Capillary malformation-arteriovenous malformation. Identifiers: Orphanet 137667, MedGen C1842180, MONDO:0012016.

gnomAD v4.1: 3 of 1,613,718 alleles (0.00019%); highest among the groups gnomAD compares: Non-Finnish European, 0.00025%; no homozygotes.

Submission:

Labcorp Genetics (formerly Invitae), Labcorp
Classification: Uncertain significance for Capillary malformation-arteriovenous malformation syndrome. Last evaluated: 2025-11-22. Review status: criteria provided, single submitter. Criteria: Invitae Variant Classification Sherloc (09022015). Collection method: clinical testing. Allele origin: germline.
Comment: This sequence change replaces threonine, which is neutral and polar, with isoleucine, which is neutral and non-polar, at codon 772 of the RASA1 protein (p.Thr772Ile). This variant is not present in population databases (gnomAD no frequency). This variant has not been reported in the literature in individuals affected with RASA1-related conditions. An algorithm developed to predict the effect of missense changes on protein structure and function (PolyPhen-2) suggests that this variant is likely to be disruptive. In summary, the available evidence is currently insufficient to determine the role of this variant in disease. Therefore, it has been classified as a Variant of Uncertain Significance.